The following is an entry in ClinVar:

NM_001696.4(ATP6V1E1):c.563G>A (p.Arg188His)

Gene: ATP6V1E1 (ATPase H+ transporting V1 subunit E1; minus strand). Cytogenetic location: 22q11.21.
Variant type: single nucleotide variant.
Coding change: c.563G>A on transcript NM_001696.4 (MANE Select); coding-DNA position 563, G replaced by A.
Protein change: p.Arg188His; replaces arginine 188 with histidine.
Molecular consequence: missense variant.
Genome position (GRCh38, 1-based): chr22:17,594,584, C>T on the plus strand (G>A on the coding strand, the complement: ATP6V1E1 is on the minus strand). VCF-style: chr22-17594584-C-T. GRCh37 (hg19) VCF-style: chr22-18077350-C-T.
Other names: c.497G>A, p.Arg166His (NM_001039366.1); c.473G>A, p.Arg158His (NM_001039367.1); c.563G>A (NM_001696.3); short protein forms R158H, R166H, R188H.
Identifiers: ClinVar variation 2726210 (VCV002726210.4), dbSNP rs1489592862, ClinGen allele CA410237013.
Genomic context (GRCh38, chr22:17,594,584, plus strand): 5'-CTCACCTGCTGGGCTATGAGATCCAGCCGGCTTTCCAGGGTGTTGGAAACCTTTATTTTA[C>T]GATCTCCATTATAGATCTCAACTCCACCAGCTCTGCAAAAAAAAAAGCACAGGAAATAAT-3'
Protein context (NP_001687.1, residues 178-198): AGGVEIYNGD[Arg188His]KIKVSNTLES

ClinVar aggregate classification (germline): Uncertain significance. Review status: criteria provided, multiple submitters, no conflicts (2 of 4 stars). 2 submissions from 2 submitters: Uncertain significance (2). Last evaluated 2025-08-21.

Allele frequency attached by ClinVar (database versions not stated): gnomAD exomes 0.00001; TOPMed 0.00005; gnomAD 0.00006.

Submissions (2):

Ambry Genetics
Classification: Uncertain significance. Last evaluated: 2025-08-21. Review status: criteria provided, single submitter. Criteria: Ambry Variant Classification Scheme 2023. Collection method: clinical testing. Allele origin: germline.

Labcorp Genetics (formerly Invitae), Labcorp
Classification: Uncertain significance. Last evaluated: 2024-11-11. Review status: criteria provided, single submitter. Criteria: Invitae Variant Classification Sherloc (09022015). Collection method: clinical testing. Allele origin: germline.
Comment: This sequence change replaces arginine, which is basic and polar, with histidine, which is basic and polar, at codon 188 of the ATP6V1E1 protein (p.Arg188His). The frequency data for this variant in the population databases is considered unreliable, as metrics indicate poor data quality at this position in the gnomAD database. This variant has not been reported in the literature in individuals affected with ATP6V1E1-related conditions. ClinVar contains an entry for this variant (Variation ID: 2726210). An algorithm developed to predict the effect of missense changes on protein structure and function (PolyPhen-2) suggests that this variant is likely to be tolerated. In summary, the available evidence is currently insufficient to determine the role of this variant in disease. Therefore, it has been classified as a Variant of Uncertain Significance.